The following is an entry in ClinVar:

ClinVar aggregate classification (germline): Likely benign. Review status: criteria provided, multiple submitters, no conflicts (2 of 4 stars). 3 submissions from 3 submitters: Likely benign (3). Last evaluated 2025-12-28.

Conditions:
Autosomal recessive limb-girdle muscular dystrophy type 2Q (LGMDR17). Also called: MUSCULAR DYSTROPHY, LIMB-GIRDLE, AUTOSOMAL RECESSIVE 17. Identifiers: Orphanet 254361, MedGen C3150989, MONDO:0013390, OMIM 613723.
Epidermolysis bullosa simplex 5C, with pyloric atresia (EBS5C). Also called: PLEC1-Related Epidermolysis Bullosa with Pyloric Atresia; PLEC-Related Epidermolysis Bullosa with Pyloric Atresia; Epidermolysis bullosa simplex with pyloric atresia. Identifiers: Orphanet 158684, MedGen C2677349, MONDO:0012807, OMIM 612138.
Epidermolysis bullosa simplex with nail dystrophy (EBS5D). Identifiers: MedGen C4225309, MONDO:0014661, OMIM 616487.
Epidermolysis bullosa simplex, Ogna type (EBS5A). Also called: Pidermolysis bullosa simplex 5A, Ogna type; EPIDERMOLYSIS BULLOSA SIMPLEX 5A, OGNA TYPE. Identifiers: Orphanet 79401, MedGen C0432317, MONDO:0007555, OMIM 131950.
Epidermolysis bullosa simplex 5B, with muscular dystrophy (EBS5B). Also called: Epidermolysis bullosa simplex with muscular dystrophy; EPIDERMOLYSIS BULLOSA SIMPLEX AND LIMB-GIRDLE MUSCULAR DYSTROPHY. Identifiers: Orphanet 257, MedGen C2931072, MONDO:0009181, OMIM 226670.

Allele frequency attached by ClinVar (database versions not stated): TOPMed 0.00006; 1000 Genomes Project 30x 0.00047; ESP Exome Variant Server 0.00008; 1000 Genomes Project 0.00020; ExAC 0.00023.
gnomAD v4.1: 135 of 1,596,016 alleles (0.0085%); highest among the groups gnomAD compares: Admixed American, 0.026%; no homozygotes.

Submissions (3):

Labcorp Genetics (formerly Invitae), Labcorp
Classification: Likely benign for Autosomal recessive limb-girdle muscular dystrophy type 2Q; Epidermolysis bullosa simplex, Ogna type; Epidermolysis bullosa simplex with nail dystrophy; Epidermolysis bullosa simplex 5C, with pyloric atresia; Epidermolysis bullosa simplex 5B, with muscular dystrophy. Last evaluated: 2025-12-28. Review status: criteria provided, single submitter. Criteria: Invitae Variant Classification Sherloc (09022015). Collection method: clinical testing. Allele origin: germline.

Blueprint Genetics
Classification: Likely benign. Last evaluated: 2024-09-12. Review status: criteria provided, single submitter. Criteria: ACMG Guidelines, 2015. Collection method: clinical testing. Allele origin: germline.

GeneDx
Classification: Likely benign. Last evaluated: 2016-07-06. Review status: criteria provided, single submitter. Criteria: GeneDx Variant Classification (06012015). Collection method: clinical testing. Allele origin: germline. Affected: yes.
Comment: This variant is considered likely benign or benign based on one or more of the following criteria: it is a conservative change, it occurs at a poorly conserved position in the protein, it is predicted to be benign by multiple in silico algorithms, and/or has population frequency not consistent with disease.

NM_201384.3(PLEC):c.11343G>A (p.Ser3781=)

Gene: PLEC (plectin; minus strand). Cytogenetic location: 8q24.3.
Variant type: single nucleotide variant.
Coding change: c.11343G>A on transcript NM_201384.3 (MANE Select); coding-DNA position 11343, G replaced by A.
Protein change: p.Ser3781=; no amino-acid change (serine 3781 retained).
Molecular consequence: synonymous variant.
Genome position (GRCh38, 1-based): chr8:143,918,478, C>T on the plus strand (G>A on the coding strand, the complement: PLEC is on the minus strand). VCF-style: chr8-143918478-C-T. GRCh37 (hg19) VCF-style: chr8-144992646-C-T.
Other names: c.11424G>A, p.Ser3808= (NM_000445.5); c.11301G>A, p.Ser3767= (NM_201378.4); c.11277G>A, p.Ser3759= (NM_201379.3); c.11754G>A, p.Ser3918= (NM_201380.4); c.11247G>A, p.Ser3749= (NM_201381.3); c.11343G>A, p.Ser3781= (NM_201382.4); c.11355G>A, p.Ser3785= (NM_201383.3).
Identifiers: ClinVar variation 386996 (VCV000386996.13), dbSNP rs376719872, ClinGen allele CA4924374.